The following is an entry in ClinVar:

NM_020937.4(FANCM):c.4901_4902delinsTT (p.Cys1634Phe)

Gene: FANCM (FA complementation group M; plus strand). Cytogenetic location: 14q21.2.
Variant type: Indel.
Coding change: c.4901_4902delinsTT on transcript NM_020937.4 (MANE Select); coding-DNA positions 4901 to 4902, GC replaced by TT.
Protein change: p.Cys1634Phe; replaces cysteine 1634 with phenylalanine.
Molecular consequence: missense variant.
Genome position (GRCh38, 1-based): chr14:45,188,923-45,188,924, GC replaced by TT. VCF-style: chr14-45188923-GC-TT. GRCh37 (hg19) VCF-style: chr14-45658126-GC-TT.
Other names: c.4823_4824delinsTT, p.Cys1608Phe (NM_001308133.2); short protein forms C1634F, C1608F.
Identifiers: ClinVar variation 2858505 (VCV002858505.3), dbSNP rs2503243279, ClinGen allele CA2739279411.

ClinVar aggregate classification (germline): Uncertain significance (1 of 4 stars; one submission).

Conditions:
Fanconi anemia (FA). Also called: Fanconi's anemia. Identifiers: Orphanet 84, MedGen C0015625, MeSH D005199, MONDO:0019391.

Submission:

Labcorp Genetics (formerly Invitae), Labcorp
Classification: Uncertain significance for Fanconi anemia. Last evaluated: 2023-04-23. Review status: criteria provided, single submitter. Criteria: Invitae Variant Classification Sherloc (09022015). Collection method: clinical testing. Allele origin: germline.
Comment: An algorithm developed to predict the effect of missense changes on protein structure and function (PolyPhen-2) suggests that this variant is likely to be tolerated. This variant has not been reported in the literature in individuals affected with FANCM-related conditions. Information on the frequency of this variant in the gnomAD database is not available, as this variant may be reported differently in the database. This sequence change replaces cysteine, which is neutral and slightly polar, with phenylalanine, which is neutral and non-polar, at codon 1634 of the FANCM protein (p.Cys1634Phe). In summary, the available evidence is currently insufficient to determine the role of this variant in disease. Therefore, it has been classified as a Variant of Uncertain Significance.